The following is an entry in ClinVar:

NM_001271.4(CHD2):c.4955A>G (p.Asn1652Ser)

Gene: CHD2 (chromodomain helicase DNA binding protein 2; plus strand). Cytogenetic location: 15q26.1.
Variant type: single nucleotide variant.
Coding change: c.4955A>G on transcript NM_001271.4 (MANE Select); coding-DNA position 4955, A replaced by G.
Protein change: p.Asn1652Ser; replaces asparagine 1652 with serine.
Molecular consequence: missense variant.
Genome position (GRCh38, 1-based): chr15:93,020,060, A>G. VCF-style: chr15-93020060-A-G. GRCh37 (hg19) VCF-style: chr15-93563290-A-G.
Other names: short protein forms N1652S.
Identifiers: ClinVar variation 2837515 (VCV002837515.3), dbSNP rs2505641802, ClinGen allele CA393907543.

ClinVar aggregate classification (germline): Uncertain significance (1 of 4 stars; one submission).

Conditions:
Developmental and epileptic encephalopathy 94 (DEE94). Also called: Epileptic encephalopathy, childhood-onset; CHD2-Related Neurodevelopmental Disorders. Identifiers: Orphanet 1942, Orphanet 2382, MedGen C3809278, MONDO:0014150, OMIM 615369.

Submission:

Labcorp Genetics (formerly Invitae), Labcorp
Classification: Uncertain significance for Developmental and epileptic encephalopathy 94. Last evaluated: 2023-08-16. Review status: criteria provided, single submitter. Criteria: Invitae Variant Classification Sherloc (09022015). Collection method: clinical testing. Allele origin: germline.
Comment: In summary, the available evidence is currently insufficient to determine the role of this variant in disease. Therefore, it has been classified as a Variant of Uncertain Significance. Advanced modeling of protein sequence and biophysical properties (such as structural, functional, and spatial information, amino acid conservation, physicochemical variation, residue mobility, and thermodynamic stability) performed at Invitae indicates that this missense variant is not expected to disrupt CHD2 protein function. This variant has not been reported in the literature in individuals affected with CHD2-related conditions. This variant is not present in population databases (gnomAD no frequency). This sequence change replaces asparagine, which is neutral and polar, with serine, which is neutral and polar, at codon 1652 of the CHD2 protein (p.Asn1652Ser).